The following is an entry in ClinVar:

NM_025114.4(CEP290):c.4292C>T (p.Ala1431Val)

Gene: CEP290 (centrosomal protein 290; minus strand). Cytogenetic location: 12q21.32.
Variant type: single nucleotide variant.
Coding change: c.4292C>T on transcript NM_025114.4 (MANE Select); coding-DNA position 4292, C replaced by T.
Protein change: p.Ala1431Val; replaces alanine 1431 with valine.
Molecular consequence: missense variant.
Genome position (GRCh38, 1-based): chr12:88,086,401, G>A on the plus strand (C>T on the coding strand, the complement: CEP290 is on the minus strand). VCF-style: chr12-88086401-G-A. GRCh37 (hg19) VCF-style: chr12-88480178-G-A.
Other names: short protein forms A1431V.
Identifiers: ClinVar variation 859019 (VCV000859019.10), dbSNP rs564214956, ClinGen allele CA6711986.

ClinVar aggregate classification (germline): Uncertain significance. Review status: criteria provided, multiple submitters, no conflicts (2 of 4 stars). 6 submissions from 6 submitters: Uncertain significance (5). 1 of the submissions does not count toward it. Last evaluated 2025-11-24.

Conditions:
Retinal dystrophy. Also called: Inherited retinal dystrophy. Identifiers: Orphanet 71862, MedGen C0854723, MeSH D058499, MONDO:0019118, HP:0000556.
Leber congenital amaurosis (LCA). Also called: Leber's amaurosis. Identifiers: Orphanet 65, MedGen C0339527, MeSH D057130, MONDO:0018998.
CEP290-related disorder. Also called: CEP290-related condition; CEP290-related disorders. Identifiers: MedGen CN239314.
Joubert syndrome 5 (JBTS5). Identifiers: Orphanet 2318, MedGen C1857780, MONDO:0012432, OMIM 610188.
Meckel syndrome, type 4 (MKS4). Also called: MECKEL-GRUBER SYNDROME, TYPE 4. Identifiers: Orphanet 564, MedGen C1970161, MONDO:0012626, OMIM 611134.
Senior-Loken syndrome 6 (SLSN6). Identifiers: Orphanet 3156, MedGen C1857779, MONDO:0012433, OMIM 610189.
Leber congenital amaurosis 10 (LCA10). Identifiers: Orphanet 65, MedGen C1857821, MONDO:0012723, OMIM 611755.
Bardet-Biedl syndrome 14 (BBS14). Identifiers: Orphanet 110, MedGen C2673874, MONDO:0014442, OMIM 615991.
Nephronophthisis. Also called: Juvenile Nephronophthisis. Identifiers: Orphanet 655, MedGen C0687120, MONDO:0019005, HP:0000090.
Meckel-Gruber syndrome. Also called: GRUBER SYNDROME; DYSENCEPHALIA SPLANCHNOCYSTICA; Dysencephalia splachnocystica. Identifiers: Orphanet 564, MedGen C0265215, MONDO:0018921.
Joubert syndrome. Also called: Familial aplasia of the vermis; JOUBERT-BOLTSHAUSER SYNDROME. Identifiers: Orphanet 475, MedGen C5979921, MONDO:0018772.

Allele frequency attached by ClinVar (database versions not stated): gnomAD 0.00002; TOPMed 0.00002; ExAC 0.00003.
gnomAD v4.1: 48 of 1,584,772 alleles (0.003%); highest among the groups gnomAD compares: Middle Eastern, 0.033%; no homozygotes.

Submissions (6):

PreventionGenetics, part of Exact Sciences
Classification: Uncertain significance for CEP290-related condition. Last evaluated: 2025-11-24. Review status: criteria provided, single submitter. Criteria: ACMG Guidelines, 2015. Collection method: clinical testing. Allele origin: germline.
Comment: The CEP290 c.4292C>T variant is predicted to result in the amino acid substitution p.Ala1431Val. To our knowledge, this variant has not been reported in the literature. This variant is reported in 0.0091% of alleles in individuals of African descent in gnomAD. At this time, the clinical significance of this variant is uncertain due to the absence of conclusive functional and genetic evidence.

Fulgent Genetics
Classification: Uncertain significance for Joubert syndrome 5; Senior-Loken syndrome 6; Meckel syndrome, type 4; Leber congenital amaurosis 10; Bardet-Biedl syndrome 14. Last evaluated: 2024-05-28. Review status: criteria provided, single submitter. Criteria: ACMG Guidelines, 2015. Collection method: clinical testing. Allele origin: germline.

Dept Of Ophthalmology, Nagoya University
Classification: Uncertain significance for Retinal dystrophy. Last evaluated: 2023-10-01. Review status: criteria provided, single submitter. Criteria: Submitter's publication. Collection method: research. Allele origin: germline. Affected: yes.

Blueprint Genetics
Classification: Uncertain significance. Last evaluated: 2023-05-02. Review status: criteria provided, single submitter. Criteria: ACMG Guidelines, 2015. Collection method: clinical testing. Allele origin: germline.

Labcorp Genetics (formerly Invitae), Labcorp
Classification: Uncertain significance for Joubert syndrome; Meckel-Gruber syndrome; Nephronophthisis. Last evaluated: 2022-07-19. Review status: criteria provided, single submitter. Criteria: Invitae Variant Classification Sherloc (09022015). Collection method: clinical testing. Allele origin: germline.
Comment: This sequence change replaces alanine, which is neutral and non-polar, with valine, which is neutral and non-polar, at codon 1431 of the CEP290 protein (p.Ala1431Val). The frequency data for this variant in the population databases is considered unreliable, as metrics indicate poor data quality at this position in the gnomAD database. This variant has not been reported in the literature in individuals affected with CEP290-related conditions. ClinVar contains an entry for this variant (Variation ID: 859019). Algorithms developed to predict the effect of missense changes on protein structure and function (SIFT, PolyPhen-2, Align-GVGD) all suggest that this variant is likely to be tolerated. In summary, the available evidence is currently insufficient to determine the role of this variant in disease. Therefore, it has been classified as a Variant of Uncertain Significance.

Natera, Inc.
Classification: Uncertain significance for Leber congenital amaurosis. Last evaluated: 2020-04-17. Review status: no assertion criteria provided. Collection method: clinical testing. Allele origin: germline. Not counted in ClinVar's aggregate classification.